The following is an entry in ClinVar:

NM_022436.3(ABCG5):c.1325-1G>T

Genes: ABCG5 (ATP binding cassette subfamily G member 5; minus strand), DYNC2LI1 (dynein cytoplasmic 2 light intermediate chain 1; plus strand). Cytogenetic location: 2p21.
Variant type: single nucleotide variant.
Coding change: c.1325-1G>T on transcript NM_022436.3 (MANE Select); the canonical splice acceptor site of the intron before coding-DNA position 1325, G replaced by T.
Molecular consequence: splice acceptor variant. On other transcripts: intron variant (2).
Genome position (GRCh38, 1-based): chr2:43,822,936, C>A on the plus strand (G>T on the coding strand, the complement: ABCG5 is on the minus strand). VCF-style: chr2-43822936-C-A. GRCh37 (hg19) VCF-style: chr2-44050075-C-A.
Other names: c.*16-4450C>A (NM_001348913.2, NM_001348912.2).
Identifiers: ClinVar variation 1677586 (VCV001677586.6), dbSNP rs768019354, ClinGen allele CA1636310.
Genomic context (GRCh38, chr2:43,822,936, plus strand): 5'-GCCACTTCTGGTAGAGGCCGTCCTGACTCTCCTGGTCGCTGACAGCTCGCAGCACGGGAA[C>A]TGGGGATGGAAGGCAGGTTTCAGAACAGTCAGTCACCACCCAGCTGAAAAAGGGAGGGCT-3'

ClinVar aggregate classification (germline): Likely pathogenic. Review status: criteria provided, multiple submitters, no conflicts (2 of 4 stars). 2 submissions from 2 submitters: Likely pathogenic (2). Last evaluated 2025-09-11.

Conditions:
Cardiovascular phenotype. Identifiers: MedGen CN230736.

Allele frequency attached by ClinVar (database versions not stated): gnomAD exomes below 0.00001; ExAC 0.00001.
gnomAD v4.1: 9 of 1,613,816 alleles (0.00056%); highest among the groups gnomAD compares: Non-Finnish European, 0.00076%; no homozygotes.

Submissions (2):

Ambry Genetics
Classification: Likely pathogenic for Cardiovascular phenotype. Last evaluated: 2025-09-11. Review status: criteria provided, single submitter. Criteria: Ambry Variant Classification Scheme 2023. Collection method: clinical testing. Allele origin: germline.
Comment: The c.1325-1G>T intronic variant results from a G to T substitution one nucleotide upstream from coding exon 10 of the ABCG5 gene. Alterations that disrupt the canonical splice site are expected to result in aberrant splicing. In silico splice site analysis predicts that this alteration will weaken the native splice acceptor site. One of the predicted consequences of this variant is a transcript that is in-frame and is not expected to trigger nonsense-mediated mRNAdecay; however, direct evidence is unavailable. The exact functional effect of the altered amino acid sequence is unknown; however, the impacted region is critical for protein function (Ambry internal data). This variant has been detected in a familial hypercholesterolemia cohort (Reeskamp LF et al. J Clin Lipidol Jan;14:207-217.e7). Other variant(s) impacting the same acceptor site (c.1325-2A>C) have been identified in individual(s) with features consistent with sitosterolemia (Ambry internal data). This variant is considered to be rare based on population cohorts in the Genome Aggregation Database (gnomAD). This nucleotide position is highly conserved in available vertebrate species. Based on the majority of available evidence to date, this variant is likely to be pathogenic.

AiLife Diagnostics
Classification: Likely pathogenic. Last evaluated: 2021-10-21. Review status: criteria provided, single submitter. Criteria: ACMG Guidelines, 2015. Collection method: clinical testing. Allele origin: germline. Affected: yes. Observed: 1 variant allele.

Literature cited by the submitters: PubMed 32088153 (cited by Ambry Genetics and AiLife Diagnostics).